The following is an entry in ClinVar:

NM_001009944.3(PKD1):c.4189G>A (p.Glu1397Lys)

Gene: PKD1 (polycystin 1, transient receptor potential channel interacting; minus strand). Cytogenetic location: 16p13.3.
Variant type: single nucleotide variant.
Coding change: c.4189G>A on transcript NM_001009944.3 (MANE Select); coding-DNA position 4189, G replaced by A.
Protein change: p.Glu1397Lys; replaces glutamic acid 1397 with lysine.
Molecular consequence: missense variant.
Genome position (GRCh38, 1-based): chr16:2,110,978, C>T on the plus strand (G>A on the coding strand, the complement: PKD1 is on the minus strand). VCF-style: chr16-2110978-C-T. GRCh37 (hg19) VCF-style: chr16-2160979-C-T.
Other names: c.4189G>A (NM_001009944.2); c.4189G>A, p.Glu1397Lys (NM_000296.4); short protein forms E1397K.
Identifiers: ClinVar variation 995155 (VCV000995155.5), dbSNP rs755462601, ClinGen allele CA7832463.

ClinVar aggregate classification (germline): Uncertain significance. Review status: criteria provided, multiple submitters, no conflicts (2 of 4 stars). 5 submissions from 5 submitters: Uncertain significance (5). Last evaluated 2026-08-05.

Conditions:
Polycystic kidney disease, adult type (PKD1). Also called: Polycystic Kidney, Autosomal Dominant; Polycystic Kidney Disease 1, Autosomal Dominant; Polycystic kidney disease 1; Polycystic kidney disease 1, severe; POLYCYSTIC KIDNEY DISEASE 1 WITH OR WITHOUT POLYCYSTIC LIVER DISEASE; POLYCYSTIC KIDNEY DISEASE, ADULT, TYPE I. Identifiers: MedGen C3149841, MONDO:0008263, OMIM 173900.
PKD1-related disorder. Also called: PKD1-related condition.
Inborn genetic diseases. Identifiers: MedGen C0950123, MeSH D030342.

Allele frequency attached by ClinVar (database versions not stated): gnomAD exomes 0.00001 and 0.00002; ExAC 0.00002; TOPMed 0.00002.
gnomAD v4.1: 12 of 1,610,478 alleles (0.00075%); highest among the groups gnomAD compares: East Asian, 0.0089%; no homozygotes.

Submissions (5):

PreventionGenetics, part of Exact Sciences
Classification: Uncertain significance for PKD1-related condition. Last evaluated: 2026-08-05. Review status: criteria provided, single submitter. Criteria: ACMG Guidelines, 2015. Collection method: clinical testing. Allele origin: germline.
Comment: The PKD1 c.4189G>A variant is predicted to result in the amino acid substitution p.Glu1397Lys. To our knowledge, this variant has not been reported in the literature. This variant is reported in 0.022% of alleles in individuals of East Asian descent in gnomAD. At this time, the clinical significance of this variant is uncertain due to the absence of conclusive functional and genetic evidence.

Ambry Genetics
Classification: Uncertain significance for Inborn genetic diseases. Last evaluated: 2025-10-07. Review status: criteria provided, single submitter. Criteria: Ambry Variant Classification Scheme 2023. Collection method: clinical testing. Allele origin: germline.

Athena Diagnostics
Classification: Uncertain significance. Last evaluated: 2025-07-11. Review status: criteria provided, single submitter. Criteria: Athena Diagnostics Criteria. Collection method: clinical testing. Allele origin: unknown.
Comment: Available data are insufficient to determine the clinical significance of the variant at this time. The frequency of this variant in the general population is uninformative in assessment of its pathogenicity. Polyphen and MutationTaster yielded discordant predictions regarding whether this amino acid change is damaging to the protein.

Women's Health and Genetics/Laboratory Corporation of America, LabCorp
Classification: Uncertain significance. Last evaluated: 2025-03-21. Review status: criteria provided, single submitter. Criteria: LabCorp Variant Classification Summary - May 2015. Collection method: clinical testing. Allele origin: germline.
Comment: Variant summary: PKD1 c.4189G>A (p.Glu1397Lys) results in a conservative amino acid change in the encoded protein sequence. Three of five in-silico tools predict a benign effect of the variant on protein function. The variant allele was found at a frequency of 2e-05 in 246832 control chromosomes. The available data on variant occurrences in the general population are insufficient to allow any conclusion about variant significance. To our knowledge, no occurrence of c.4189G>A in individuals affected with PKD1-Biallelic Autosomal Recessive Polycystic Kidney Disease and no experimental evidence demonstrating its impact on protein function have been reported. ClinVar contains an entry for this variant (Variation ID: 995155). Based on the evidence outlined above, the variant was classified as uncertain significance.

Fulgent Genetics
Classification: Uncertain significance for Polycystic kidney disease, adult type. Last evaluated: 2021-12-26. Review status: criteria provided, single submitter. Criteria: ACMG Guidelines, 2015. Collection method: clinical testing. Allele origin: unknown.